The following is an entry in ClinVar:

NM_006949.4(STXBP2):c.336_345del (p.Pro113fs)

Gene: STXBP2 (syntaxin binding protein 2; plus strand). Cytogenetic location: 19p13.2.
Variant type: Deletion.
Coding change: c.336_345del on transcript NM_006949.4 (MANE Select); coding-DNA positions 336 to 345, 10 bases deleted (GCCCCTGTTC; older notation c.336_345delGCCCCTGTTC).
Protein change: p.Pro113fs; shifts the reading frame from proline 113.
Molecular consequence: frameshift variant. On other transcripts: non-coding transcript variant (1).
Genome position (GRCh38, 1-based): chr19:7,640,910-7,640,919, GCCCCTGTTC deleted. VCF-style (leftmost placement, unchanged base first): chr19-7640909-AGCCCCTGTTC-A. GRCh37 (hg19) VCF-style: chr19-7705795-AGCCCCTGTTC-A.
Other names: c.327_336del, p.Pro110fs (NM_001127396.3); c.369_378del, p.Pro124fs (NM_001272034.2); c.240_249del, p.Pro81fs (NM_001414484.1); short protein forms P124fs, P110fs, P113fs, P81fs.
Identifiers: ClinVar variation 4772103 (VCV004772103.1).

ClinVar aggregate classification (germline): Pathogenic (1 of 4 stars; one submission).

Conditions:
Familial hemophagocytic lymphohistiocytosis 5. Also called: STXBP2-Related Familial Hemophagocytic Lymphohistiocytosis (STXBP2-fHLH). Identifiers: Orphanet 540, MedGen C2751293, MONDO:0013135, OMIM 613101.

Submission:

Labcorp Genetics (formerly Invitae), Labcorp
Classification: Pathogenic for Familial hemophagocytic lymphohistiocytosis 5. Last evaluated: 2026-01-27. Review status: criteria provided, single submitter. Criteria: Invitae Variant Classification Sherloc (09022015). Collection method: clinical testing. Allele origin: germline.
Comment: This sequence change creates a premature translational stop signal (p.Pro113Valfs*3) in the STXBP2 gene. It is expected to result in an absent or disrupted protein product. Loss-of-function variants in STXBP2 are known to be pathogenic (PMID: 19804848, 22451424). This variant is not present in population databases (gnomAD no frequency). This variant has not been reported in the literature in individuals affected with STXBP2-related conditions. For these reasons, this variant has been classified as Pathogenic.

Literature cited by the submitters: PubMed 19804848; PubMed 22451424.